The following is an entry in ClinVar:

NM_017882.3(CLN6):c.214G>T (p.Glu72Ter)

Gene: CLN6 (CLN6 transmembrane ER protein; minus strand). Cytogenetic location: 15q23.
Variant type: single nucleotide variant.
Coding change: c.214G>T on transcript NM_017882.3 (MANE Select); coding-DNA position 214, G replaced by T.
Protein change: p.Glu72Ter; replaces glutamic acid 72 with a stop codon.
Molecular consequence: nonsense.
Genome position (GRCh38, 1-based): chr15:68,214,373, C>A on the plus strand (G>T on the coding strand, the complement: CLN6 is on the minus strand). VCF-style: chr15-68214373-C-A. GRCh37 (hg19) VCF-style: chr15-68506711-C-A.
Other names: short protein forms E72*.
Identifiers: ClinVar variation 4077 (VCV000004077.31), dbSNP rs104894483, ClinGen allele CA340155.

ClinVar aggregate classification (germline): Pathogenic. Review status: criteria provided, multiple submitters, no conflicts (2 of 4 stars). 11 submissions from 11 submitters: Pathogenic (8). 3 of the submissions do not count toward it. Last evaluated 2026-09-22.

Conditions:
CLN6-related disorder. Also called: CLN6-related condition.
Ceroid lipofuscinosis, neuronal, 6B (Kufs type). Also called: Neuronal ceroid lipofuscinosis 4A. Identifiers: Orphanet 700477, MedGen C5561927, MONDO:0008768, OMIM 204300.
Ceroid lipofuscinosis, neuronal, 6A. Also called: Neuronal ceroid lipofuscinosis, Gypsy/Indian early juvenile variant; Neuronal ceroid lipofuscinosis 6; Neuronal ceroid lipofuscinosis, late infantile, variant; CLN6-Related Neuronal Ceroid-Lipofuscinosis. Identifiers: Orphanet 168491, Orphanet 228363, MedGen C5551375, MONDO:0011144, OMIM 601780.
Inborn genetic diseases. Identifiers: MedGen C0950123, MeSH D030342.
Neuronal ceroid lipofuscinosis. Also called: Neuronal Ceroid Lipofuscinoses. Identifiers: Orphanet 216, Orphanet 79263, MedGen C0027877, MONDO:0016295. Disease mechanism: loss of function.

Allele frequency attached by ClinVar (database versions not stated): TOPMed 0.00022.
gnomAD v4.1: 57 of 1,613,614 alleles (0.0035%); highest among the groups gnomAD compares: Admixed American, 0.087%; no homozygotes.

Submissions (11):

GeneDx
Classification: Pathogenic. Last evaluated: 2026-09-22. Review status: criteria provided, single submitter. Criteria: GeneDx Variant Classification Process June 2021. Collection method: clinical testing. Allele origin: germline.
Comment: Nonsense variant predicted to result in protein truncation or nonsense mediated decay in a gene for which loss of function is a known mechanism of disease; This variant is associated with the following publications: (PMID: 16857350, 12815591, 38003592, 11791207, 21359198, 16828266, 12673792, 11727201, 31589614, 25525159, 35012600, 35505348)

Labcorp Genetics (formerly Invitae), Labcorp
Classification: Pathogenic for Neuronal ceroid lipofuscinosis. Last evaluated: 2026-01-26. Review status: criteria provided, single submitter. Criteria: Invitae Variant Classification Sherloc (09022015). Collection method: clinical testing. Allele origin: germline.
Comment: This sequence change creates a premature translational stop signal (p.Glu72*) in the CLN6 gene. It is expected to result in an absent or disrupted protein product. Loss-of-function variants in CLN6 are known to be pathogenic (PMID: 19135028). This variant is present in population databases (rs104894483, gnomAD 0.05%). This premature translational stop signal has been observed in individuals with late-infantile neuronal ceroid lipofuscinosis (PMID: 11727201, 11791207, 12815591). This variant is also known as G317T. ClinVar contains an entry for this variant (Variation ID: 4077). For these reasons, this variant has been classified as Pathogenic.

PreventionGenetics, part of Exact Sciences
Classification: Pathogenic for CLN6-related condition. Last evaluated: 2025-09-30. Review status: criteria provided, single submitter. Criteria: ACMG Guidelines, 2015. Collection method: clinical testing. Allele origin: germline.
Comment: The CLN6 c.214G>T variant is predicted to result in premature protein termination (p.Glu72*). This variant, also known as G317T, has been reported in individuals with late infantile neuronal ceroid lipofuscinosis (see, for example, Wheeler et al. 2001. PubMed ID: 11727201; Gao et al. 2002. PubMed ID: 11791207; Sharp et al. 2003. PubMed ID: 12815591; Cao et al. 2011. PubMed ID: 21359198; Rus et al. 2022. PubMed ID: 35505348). This variant is reported in 0.046% of alleles in individuals of Latino descent in gnomAD. Nonsense variants in CLN6 are expected to be pathogenic. This variant is interpreted as pathogenic.

Natera, Inc.
Classification: Pathogenic for Ceroid lipofuscinosis, neuronal, 6A. Last evaluated: 2024-11-27. Review status: criteria provided, single submitter. Criteria: Natera Variant Classification Schema (03/2026). Collection method: clinical testing. Allele origin: germline.
Comment: The c.214G>T variant in CLN6 is a nonsense variant predicted to introduce a stop codon at amino acid 72. This variant is expected to result in nonsense mediated decay, truncation, or a dysfunctional protein product. The frequency of this variant in the general population is greater than expected for disorder. This variant has been observed in one or more individuals affected with the associated recessive disease, as either homozygous or compound heterozygous with a second variant (PMID: 11727201, 12815591). Additionally, this variant has been observed to segregate in affected family members (PMID: 11791207). Given the available evidence, this variant is classified as Pathogenic.

Fulgent Genetics
Classification: Pathogenic for Ceroid lipofuscinosis, neuronal, 6B (Kufs type); Ceroid lipofuscinosis, neuronal, 6A. Last evaluated: 2024-02-25. Review status: criteria provided, single submitter. Criteria: ACMG Guidelines, 2015. Collection method: clinical testing. Allele origin: germline.

Blueprint Genetics
Classification: Pathogenic for CLN6-related disorders. Last evaluated: 2022-03-29. Review status: criteria provided, single submitter. Criteria: ACMG Guidelines, 2015. Collection method: clinical testing. Allele origin: germline. Affected: yes. Observed: 2 variant alleles.

Eurofins Ntd Llc (ga)
Classification: Pathogenic. Last evaluated: 2018-01-10. Review status: criteria provided, single submitter. Criteria: EGL Classification Definitions 2015. Collection method: clinical testing. Allele origin: germline. Observed: 2 variant alleles, 2 heterozygotes.

Ambry Genetics
Classification: Pathogenic for Inborn genetic diseases. Last evaluated: 2016-11-02. Review status: criteria provided, single submitter. Criteria: Ambry Variant Classification Scheme 2023. Collection method: clinical testing. Allele origin: germline.
Comment: The p.E72* pathogenic mutation (also known as c.214G>T), located in coding exon 3 of the CLN6 gene, results from a G to T substitution at nucleotide position 214. This changes the amino acid from a glutamic acid to a stop codon within coding exon 3. In addition to the clinical data presented in the literature, this alteration is expected to result in loss of function by premature protein truncation or nonsense-mediated mRNA decay. As such, this alteration is interpreted as a disease-causing mutation.

Counsyl
Classification: Pathogenic for Ceroid lipofuscinosis, neuronal, 6A. Last evaluated: 2018-03-12. Review status: no assertion criteria provided. Collection method: clinical testing. Allele origin: unknown. Not counted in ClinVar's aggregate classification.

OMIM
Classification: Pathogenic for CEROID LIPOFUSCINOSIS, NEURONAL, 6A. Last evaluated: 2002-02-01. Review status: no assertion criteria provided. Collection method: literature only. Allele origin: germline. Not counted in ClinVar's aggregate classification.

GeneReviews
No classification provided. Condition: Ceroid lipofuscinosis, neuronal, 6A. Review status: no classification provided. Collection method: literature only. Allele origin: unknown. Not counted in ClinVar's aggregate classification.

Literature cited by the submitters: PubMed 19135028 (cited by Labcorp Genetics (formerly Invitae), Labcorp); PubMed 11727201 (cited by 4 submitters); PubMed 11791207 (cited by 5 submitters); PubMed 12815591 (cited by Labcorp Genetics (formerly Invitae), Labcorp and Natera, Inc.); PubMed 21359198 (cited by Counsyl); PubMed 15265688 (cited by Counsyl); PubMed 20301601 (cited by GeneReviews); NCBI Bookshelf NBK1428 (cited by GeneReviews).